The following is an entry in ClinVar:

NM_001267550.2(TTN):c.102195G>A (p.Ser34065=)

Genes: TTN (titin; minus strand), TTN-AS1 (TTN antisense RNA 1; plus strand). Cytogenetic location: 2q31.2.
Variant type: single nucleotide variant.
Coding change: c.102195G>A on transcript NM_001267550.2 (MANE Select); coding-DNA position 102195, G replaced by A.
Protein change: p.Ser34065=; no amino-acid change (serine 34065 retained).
Molecular consequence: synonymous variant.
Genome position (GRCh38, 1-based): chr2:178,534,420, C>T on the plus strand (G>A on the coding strand, the complement: TTN is on the minus strand). VCF-style: chr2-178534420-C-T. GRCh37 (hg19) VCF-style: chr2-179399147-C-T.
Other names: c.97272G>A, p.Ser32424= (NM_001256850.1); c.75000G>A, p.Ser25000= (NM_003319.4); c.94491G>A, p.Ser31497= (NM_133378.4); c.75375G>A, p.Ser25125= (NM_133432.3); c.75576G>A, p.Ser25192= (NM_133437.4).
Identifiers: ClinVar variation 705953 (VCV000705953.15), dbSNP rs757037792, ClinGen allele CA1985795.

ClinVar aggregate classification (germline): Likely benign. Review status: criteria provided, multiple submitters, no conflicts (2 of 4 stars). 4 submissions from 4 submitters: Likely benign (4). Last evaluated 2025-11-19.

Conditions:
TTN-related disorder. Also called: TTN-related condition; TTN-related disease; TTN-related disorders.
Cardiovascular phenotype. Identifiers: MedGen CN230736.
Autosomal recessive limb-girdle muscular dystrophy type 2J (LGMDR10). Also called: Limb-girdle muscular dystrophy, type 2J; MUSCULAR DYSTROPHY, LIMB-GIRDLE, AUTOSOMAL RECESSIVE 10. Identifiers: Orphanet 140922, MedGen C1837342, MONDO:0012127, OMIM 608807.
Dilated cardiomyopathy 1G (CMD1G). Identifiers: Orphanet 154, MedGen C1858763, MONDO:0011400, OMIM 604145.
Cardiomyopathy (CMYO). Also called: Cardiomyopathies. Identifiers: Orphanet 167848, MedGen C0878544, MONDO:0004994, HP:0001638. Inheritance: Various modes of inheritance.

Allele frequency attached by ClinVar (database versions not stated): gnomAD 0.00001; TOPMed 0.00002; ExAC 0.00003; gnomAD exomes 0.00004 and 0.00007.
gnomAD v4.1: 107 of 1,611,708 alleles (0.0066%); highest among the groups gnomAD compares: Non-Finnish European, 0.0083%; no homozygotes.

Submissions (4):

Labcorp Genetics (formerly Invitae), Labcorp
Classification: Likely benign for Dilated cardiomyopathy 1G; Autosomal recessive limb-girdle muscular dystrophy type 2J. Last evaluated: 2025-11-19. Review status: criteria provided, single submitter. Criteria: Invitae Variant Classification Sherloc (09022015). Collection method: clinical testing. Allele origin: germline.

PreventionGenetics, part of Exact Sciences
Classification: Likely benign for TTN-related condition. Last evaluated: 2025-07-23. Review status: criteria provided, single submitter. Criteria: ACMG Guidelines, 2015. Collection method: clinical testing. Allele origin: germline.
Comment: This variant is classified as likely benign based on ACMG/AMP sequence variant interpretation guidelines (Richards et al. 2015 PMID: 25741868, with internal and published modifications).

CHEO Genetics Diagnostic Laboratory, Children's Hospital of Eastern Ontario
Classification: Likely benign for Cardiomyopathy. Last evaluated: 2020-07-30. Review status: criteria provided, single submitter. Criteria: ACMG Guidelines, 2015. Collection method: clinical testing. Allele origin: germline.

Ambry Genetics
Classification: Likely benign for Cardiovascular phenotype. Last evaluated: 2019-07-31. Review status: criteria provided, single submitter. Criteria: Ambry Variant Classification Scheme 2023. Collection method: clinical testing. Allele origin: germline.